The following is an entry in ClinVar:

ClinVar aggregate classification (germline): Uncertain significance. Review status: reviewed by expert panel (3 of 4 stars). 10 submissions from 10 submitters: Uncertain significance (1). 9 of the submissions do not count toward it. Last evaluated 2025-07-30.

Conditions:
Glycogen storage disease, type II (IOPD). Also called: Glucosidase acid-1,4-alpha deficiency; Pompe Disease; GLYCOGENOSIS, GENERALIZED, CARDIAC FORM; GSD II; POMPE DISEASE, INFANTILE-ONSET; GLYCOGEN STORAGE DISEASE II, INFANTILE-ONSET. Identifiers: Orphanet 365, MedGen C0017921, MONDO:0009290, OMIM 232300.
GAA-related disorders.

Allele frequency attached by ClinVar (database versions not stated): gnomAD exomes below 0.00001; gnomAD 0.00001; TOPMed 0.00001.
gnomAD v4.1: 5 of 1,613,204 alleles (0.00031%); highest among the groups gnomAD compares: South Asian, 0.0033%; no homozygotes.

Submissions (10):

ClinGen Lysosomal Storage Disorder Variant Curation Expert Panel
Classification: Uncertain significance for Glycogen storage disease, type II. Last evaluated: 2025-07-30. Review status: reviewed by expert panel. Criteria: clingen_lsd_acmg_specifications_v2-1. Collection method: curation. Allele origin: germline. Inheritance: Autosomal recessive inheritance.
Comment: The NM_000152.5:c.2783A>G in GAA is predicted to result in the substitution of tyrosine by cysteine at amino acid 928 (p.Tyr928Cys). The variant has been identified in at least four individuals (all Indian where the country of origin is known). One of these patients has symptoms consistent with late onset Pompe disease and documented laboratory values showing deficient GAA activity (PMID: 33741225) (PP4_Moderate). Three individuals are homozygous for the variant (PMID: 33301762, clinical diagnostic laboratory, max 2 x 0.5 points). One individual is compound heterozygous for the variant and c.2015G>T (p.Arg672Leu) (PMID: 29122469, 33741225). The allelic data for this patient will be used in the classification of p.Arg672Leu and is not included here to avoid circular logic (PM3). The highest population minor allele frequency in gnomAD v4.1.0. is 0.00003294 (3/91080 alleles) in the S. Asian population, which is lower than the ClinGen Lysosomal Diseases VCEP’s threshold for PM2_Supporting (<0.001), meeting this criterion (PM2_Supporting). The computational predictor REVEL gives a score of 0.664 which is neither above nor below the thresholds predicting a damaging (>0.7) or benign (<0.5) impact on GAA function. There is a ClinVar entry for this variant (Variation ID: 1048589). In summary, this variant meets the criteria to be classified as a variant of uncertain significance for Pompe disease. GAA-specific ACMG/AMP criteria met, as specified by the ClinGen Lysosomal Diseases Variant Curation Expert Panel: PM3, PP4_Moderate, PM2_Supporting. (Classification approved by the ClinGen Lysosomal Diseases Variant Curation Expert Panel on July 30, 2025).

Genomenon, Inc
Classification: Uncertain significance for Glycogen storage disease, type II. Last evaluated: 2026-07-01. Review status: criteria provided, single submitter. Criteria: Genomenon Sequence Variant Interpretation Standards - Updated. Collection method: curation. Allele origin: germline. Affected: yes. Not counted in ClinVar's aggregate classification.
Comment: GAA p.Tyr928Cys (c.2783A>G) is a missense variant that changes the amino acid at codon 928 from Tyrosine to Cysteine. This variant has been observed in at least one proband with a GAA-related disorder in the compound heterozygous and/or homozygous state (PMID:33741225;33301762;31606152). It is absent or not present at a significant frequency in gnomAD. In conclusion, we classify GAA p.Tyr928Cys (c.2783A>G) as a variant of uncertain significance.

Labcorp Genetics (formerly Invitae), Labcorp
Classification: Pathogenic for Glycogen storage disease, type II. Last evaluated: 2025-12-08. Review status: criteria provided, single submitter. Criteria: Invitae Variant Classification Sherloc (09022015). Collection method: clinical testing. Allele origin: germline. Not counted in ClinVar's aggregate classification.
Comment: This sequence change replaces tyrosine, which is neutral and polar, with cysteine, which is neutral and slightly polar, at codon 928 of the GAA protein (p.Tyr928Cys). This variant is not present in population databases (gnomAD no frequency). This missense change has been observed in individual(s) with Pompe disease (PMID: 22252923, 29122469, 31606152, 33301762, 33741225). ClinVar contains an entry for this variant (Variation ID: 1048589). Invitae Evidence Modeling of protein sequence and biophysical properties (such as structural, functional, and spatial information, amino acid conservation, physicochemical variation, residue mobility, and thermodynamic stability) has been performed for this missense variant. However, the output from this modeling did not meet the statistical confidence thresholds required to predict the impact of this variant on GAA protein function. For these reasons, this variant has been classified as Pathogenic.

Revvity Omics, Revvity
Classification: Uncertain significance. Last evaluated: 2025-06-04. Review status: criteria provided, single submitter. Criteria: ACMG Guidelines, 2015. Collection method: clinical testing. Allele origin: germline. Not counted in ClinVar's aggregate classification.

Dubai Health Genomic Medicine Center, Dubai Health
Classification: Likely pathogenic for Glycogen storage disease II. Last evaluated: 2024-10-04. Review status: criteria provided, single submitter. Criteria: ACMG Guidelines, 2015. Collection method: research. Allele origin: germline. Affected: yes. Not counted in ClinVar's aggregate classification.
Comment: PM2,PP3,PM5,PP4,PM3(moderate)

Fulgent Genetics
Classification: Pathogenic for Glycogen storage disease, type II. Last evaluated: 2024-05-29. Review status: criteria provided, single submitter. Criteria: ACMG Guidelines, 2015. Collection method: clinical testing. Allele origin: germline. Not counted in ClinVar's aggregate classification.

Institute of Medical Genetics and Genomics, Sir Ganga Ram Hospital
Classification: Likely pathogenic for Glycogen storage disease, type II. Last evaluated: 2023-09-17. Review status: criteria provided, single submitter. Criteria: ACMG Guidelines, 2015. Collection method: clinical testing. Allele origin: germline. Inheritance: Autosomal recessive inheritance. Affected: yes. Observed: 4 homozygotes. Not counted in ClinVar's aggregate classification.
Comment: The homozygous mis-sense variant c.2783A>G (p.Tyr928Cys) has been identified in a group of patients presented with symptoms like respiratory distress, cardiomegaly, ventilator support, muscle weakness, hypotonia, protuberant abdomen, hepatomegaly and feeding difficulties. The age of onset of symptoms ranged from at birth to 6 months. This has been previously reported PMID: 31606152

Women's Health and Genetics/Laboratory Corporation of America, LabCorp
Classification: Pathogenic for Glycogen storage disease, type II. Last evaluated: 2023-07-21. Review status: criteria provided, single submitter. Criteria: LabCorp Variant Classification Summary - May 2015. Collection method: clinical testing. Allele origin: germline. Not counted in ClinVar's aggregate classification.
Comment: Variant summary: GAA c.2783A>G (p.Tyr928Cys) results in a non-conservative amino acid change in the encoded protein sequence. Five of five in-silico tools predict a damaging effect of the variant on protein function. The variant was absent in 250516 control chromosomes. c.2783A>G has been reported in the literature in individuals affected with Glycogen Storage Disease, Type 2 (Pompe Disease) (Example: Thomas_2021, Mori_2017). Additionally, the a-glucosidase activity in several homozygous patients is significantly reduced when compared to wildtype (Thomas_2021). These data indicate that the variant is very likely to be associated with disease. The following publications have been ascertained in the context of this evaluation (PMID: 29122469, 33301762). Three submitters have cited clinical-significance assessments for this variant to ClinVar after 2014. All submitters classified the variant as likely pathogenic. Based on the evidence outlined above, the variant was classified as pathogenic.

Blueprint Genetics
Classification: Pathogenic for GAA-related disorders. Last evaluated: 2022-01-18. Review status: criteria provided, single submitter. Criteria: ACMG Guidelines, 2015. Collection method: clinical testing. Allele origin: germline. Affected: yes. Observed: 1 variant allele. Not counted in ClinVar's aggregate classification.

NxGen MDx
Classification: Likely pathogenic for Glycogen storage disease, type II. Last evaluated: 2020-02-07. Review status: criteria provided, single submitter. Criteria: ACMG Guidelines, 2015. Collection method: clinical testing. Allele origin: unknown. Inheritance: Autosomal recessive inheritance. Not counted in ClinVar's aggregate classification.
Comment: This missense variant c.2783A>G (p.Tyr928Cys) in GAA exon 19 maintains a polar side chain however, it is not found in gnomAD exomes (PM2) and consensus from in silico predictions supports a disruptive effect (PP3). This variant was first reported in Bali et al. PMID 22252923 in 2 cases and has been reported in 7 additional cases in a South Indian Infant-Onset Pompe Disease cohort in Gupta et al. PMID 31606152. We interpret c.2783A>G to be likely pathogenic.

Literature cited by the submitters: PubMed 33741225 (cited by Genomenon, Inc and Labcorp Genetics (formerly Invitae), Labcorp); PubMed 33301762 (cited by 3 submitters); PubMed 31606152 (cited by 4 submitters); PubMed 22252923 (cited by Labcorp Genetics (formerly Invitae), Labcorp and NxGen MDx); PubMed 29122469 (cited by Labcorp Genetics (formerly Invitae), Labcorp and Women's Health and Genetics/Laboratory Corporation of America, LabCorp).

NM_000152.5(GAA):c.2783A>G (p.Tyr928Cys)

Gene: GAA (alpha glucosidase; plus strand). Cytogenetic location: 17q25.3.
Variant type: single nucleotide variant.
Coding change: c.2783A>G on transcript NM_000152.5 (MANE Select); coding-DNA position 2783, A replaced by G.
Protein change: p.Tyr928Cys; replaces tyrosine 928 with cysteine.
Molecular consequence: missense variant.
Genome position (GRCh38, 1-based): chr17:80,118,789, A>G. VCF-style: chr17-80118789-A-G. GRCh37 (hg19) VCF-style: chr17-78092588-A-G.
Other names: NM_000152.5(GAA):c.2783A>G; p.Tyr928Cys; c.2783A>G (NM_000152.4, NM_000152.3); c.2783A>G, p.Tyr928Cys (NM_001079803.3, NM_001079804.3); short protein forms Y928C.
Identifiers: ClinVar variation 1048589 (VCV001048589.19), dbSNP rs1403885484, ClinGen allele CA401327377.